The following is an entry in ClinVar:

NM_144997.7(FLCN):c.165C>A (p.Asn55Lys)

Gene: FLCN (folliculin; minus strand). Cytogenetic location: 17p11.2.
Variant type: single nucleotide variant.
Coding change: c.165C>A on transcript NM_144997.7 (MANE Select); coding-DNA position 165, C replaced by A.
Protein change: p.Asn55Lys; replaces asparagine 55 with lysine.
Molecular consequence: missense variant.
Genome position (GRCh38, 1-based): chr17:17,227,973, G>T on the plus strand (C>A on the coding strand, the complement: FLCN is on the minus strand). VCF-style: chr17-17227973-G-T. GRCh37 (hg19) VCF-style: chr17-17131287-G-T.
Other names: c.165C>A, p.Asn55Lys (NM_001353229.2, NM_001353230.2, NM_001353231.2 and 1 more transcripts); c.165C>A (NM_144997.5); short protein forms N55K.
Identifiers: ClinVar variation 1489525 (VCV001489525.9), dbSNP rs2145043822, ClinGen allele CA398535188.

ClinVar aggregate classification (germline): Uncertain significance. Review status: criteria provided, multiple submitters, no conflicts (2 of 4 stars). 2 submissions from 2 submitters: Uncertain significance (2). Last evaluated 2025-04-10.

Conditions:
Hereditary cancer-predisposing syndrome. Also called: Neoplastic Syndromes, Hereditary; Tumor predisposition; Hereditary neoplastic syndrome; Hereditary Cancer Syndrome. Identifiers: Orphanet 140162, MedGen C0027672, MeSH D009386, MONDO:0015356.
Birt-Hogg-Dube syndrome. Also called: Birt Hogg Dubé syndrome. Identifiers: Orphanet 122, MedGen C0346010, MONDO:0800444.

Submissions (2):

Ambry Genetics
Classification: Uncertain significance for Hereditary cancer-predisposing syndrome. Last evaluated: 2025-04-10. Review status: criteria provided, single submitter. Criteria: Ambry Variant Classification Scheme 2023. Collection method: clinical testing. Allele origin: germline.
Comment: The p.N55K variant (also known as c.165C>A), located in coding exon 1 of the FLCN gene, results from a C to A substitution at nucleotide position 165. The asparagine at codon 55 is replaced by lysine, an amino acid with similar properties. This amino acid position is conserved. In addition, this alteration is predicted to be tolerated by in silico analysis. Based on the available evidence, the clinical significance of this variant remains unclear.

Labcorp Genetics (formerly Invitae), Labcorp
Classification: Uncertain significance for Birt-Hogg-Dube syndrome. Last evaluated: 2021-05-07. Review status: criteria provided, single submitter. Criteria: Invitae Variant Classification Sherloc (09022015). Collection method: clinical testing. Allele origin: germline.
Comment: In summary, the available evidence is currently insufficient to determine the role of this variant in disease. Therefore, it has been classified as a Variant of Uncertain Significance. Algorithms developed to predict the effect of missense changes on protein structure and function (SIFT, PolyPhen-2, Align-GVGD) all suggest that this variant is likely to be tolerated, but these predictions have not been confirmed by published functional studies and their clinical significance is uncertain. This variant has not been reported in the literature in individuals with FLCN-related conditions. This variant is not present in population databases (ExAC no frequency). This sequence change replaces asparagine with lysine at codon 55 of the FLCN protein (p.Asn55Lys). The asparagine residue is weakly conserved and there is a moderate physicochemical difference between asparagine and lysine.